The following is an entry in ClinVar:

ClinVar aggregate classification (germline): Uncertain significance. Review status: criteria provided, multiple submitters, no conflicts (2 of 4 stars). 2 submissions from 2 submitters: Uncertain significance (2). Last evaluated 2022-08-08.

Conditions:
Progressive myoclonic epilepsy. Also called: Familial progressive myoclonic epilepsy; Myoclonus epilepsy; Progressive myoclonus epilepsy; Myoclonic Epilepsies, Progressive. Identifiers: Orphanet 308, Orphanet 98261, MedGen C0751778, MONDO:0020074.
Inborn genetic diseases. Identifiers: MedGen C0950123, MeSH D030342.

Allele frequency attached by ClinVar (database versions not stated): TOPMed below 0.00001; gnomAD 0.00001; gnomAD exomes 0.00001.
gnomAD v4.1: 9 of 1,533,942 alleles (0.00059%); highest among the groups gnomAD compares: Middle Eastern, 0.017%; no homozygotes.

Submissions (2):

Labcorp Genetics (formerly Invitae), Labcorp
Classification: Uncertain significance for Progressive myoclonic epilepsy. Last evaluated: 2022-08-08. Review status: criteria provided, single submitter. Criteria: Invitae Variant Classification Sherloc (09022015). Collection method: clinical testing. Allele origin: germline.
Comment: In summary, the available evidence is currently insufficient to determine the role of this variant in disease. Therefore, it has been classified as a Variant of Uncertain Significance. Algorithms developed to predict the effect of missense changes on protein structure and function (SIFT, PolyPhen-2, Align-GVGD) all suggest that this variant is likely to be tolerated. ClinVar contains an entry for this variant (Variation ID: 964502). This variant has not been reported in the literature in individuals affected with EPM2A-related conditions. The frequency data for this variant in the population databases is considered unreliable, as metrics indicate poor data quality at this position in the gnomAD database. This sequence change replaces proline, which is neutral and non-polar, with leucine, which is neutral and non-polar, at codon 93 of the EPM2A protein (p.Pro93Leu).

Ambry Genetics
Classification: Uncertain significance for Inborn genetic diseases. Last evaluated: 2017-11-20. Review status: criteria provided, single submitter. Criteria: Ambry Variant Classification Scheme 2023. Collection method: clinical testing. Allele origin: germline.
Comment: The p.P93L variant (also known as c.278C>T), located in coding exon 1 of the EPM2A gene, results from a C to T substitution at nucleotide position 278. The proline at codon 93 is replaced by leucine, an amino acid with similar properties. This amino acid position is well conserved in available vertebrate species. In addition, the in silico prediction for this alteration is inconclusive. Since supporting evidence is limited at this time, the clinical significance of this alteration remains unclear.

NM_005670.4(EPM2A):c.278C>T (p.Pro93Leu)

Genes: EPM2A (EPM2A glucan phosphatase, laforin; minus strand), EPM2A-DT (EPM2A divergent transcript; plus strand), LOC129997381 (ATAC-STARR-seq lymphoblastoid silent region 17642; plus strand). Cytogenetic location: 6q24.3.
Variant type: single nucleotide variant.
Coding change: c.278C>T on transcript NM_005670.4 (MANE Select); coding-DNA position 278, C replaced by T.
Protein change: p.Pro93Leu; replaces proline 93 with leucine.
Molecular consequence: missense variant. On other transcripts: 5 prime UTR variant (2), intron variant (2).
Genome position (GRCh38, 1-based): chr6:145,735,221, G>A on the plus strand (C>T on the coding strand, the complement: EPM2A is on the minus strand). VCF-style: chr6-145735221-G-A. GRCh37 (hg19) VCF-style: chr6-146056357-G-A.
Other names: c.278C>T, p.Pro93Leu (NM_001018041.2, NM_001360057.2, NM_001368130.1); c.-392C>T (NM_001360071.2); c.-346C>T (NM_001368129.2); c.-114+687C>T (NM_001360064.2); c.-114+24C>T (NM_001368131.1); short protein forms P93L.
Identifiers: ClinVar variation 964502 (VCV000964502.11), dbSNP rs1239406349, ClinGen allele CA366187884.